The following is an entry in ClinVar:

ClinVar aggregate classification (germline): Likely pathogenic (1 of 4 stars; one submission).

Submission:

Mayo Clinic Laboratories, Mayo Clinic
Classification: Likely pathogenic. Last evaluated: 2025-03-04. Review status: criteria provided, single submitter. Criteria: ACMG Guidelines, 2015. Collection method: clinical testing. Allele origin: germline. Observed: 1 variant allele.
Comment: PM2_supporting, PVS1

NM_001355436.2(SPTB):c.6023-2A>G

Gene: SPTB (spectrin beta, erythrocytic; minus strand). Cytogenetic location: 14q23.3.
Variant type: single nucleotide variant.
Coding change: c.6023-2A>G on transcript NM_001355436.2 (MANE Select); the canonical splice acceptor site of the intron before coding-DNA position 6023, A replaced by G.
Molecular consequence: splice acceptor variant.
Genome position (GRCh38, 1-based): chr14:64,767,861, T>C on the plus strand (A>G on the coding strand, the complement: SPTB is on the minus strand). VCF-style: chr14-64767861-T-C. GRCh37 (hg19) VCF-style: chr14-65234579-T-C.
Other names: p.?; c.6023-2A>G (NM_001024858.4, NM_001355437.2).
Identifiers: ClinVar variation 4541838 (VCV004541838.1).